The following is an entry in ClinVar:

NM_000093.5(COL5A1):c.1700C>A (p.Thr567Lys)

Gene: COL5A1 (collagen type V alpha 1 chain; plus strand). Cytogenetic location: 9q34.3.
Variant type: single nucleotide variant.
Coding change: c.1700C>A on transcript NM_000093.5 (MANE Select); coding-DNA position 1700, C replaced by A.
Protein change: p.Thr567Lys; replaces threonine 567 with lysine.
Molecular consequence: missense variant.
Genome position (GRCh38, 1-based): chr9:134,752,626, C>A. VCF-style: chr9-134752626-C-A. GRCh37 (hg19) VCF-style: chr9-137644472-C-A.
Other names: c.1700C>A, p.Thr567Lys (NM_001278074.1); short protein forms T567K.
Identifiers: ClinVar variation 4769730 (VCV004769730.1).

ClinVar aggregate classification (germline): Uncertain significance (1 of 4 stars; one submission).

Conditions:
Ehlers-Danlos syndrome, classic type, 1 (EDSCL1). Also called: EHLERS-DANLOS SYNDROME, GRAVIS TYPE; EHLERS-DANLOS SYNDROME, SEVERE CLASSIC TYPE; Ehlers-Danlos syndrome, type 1; Ehlers-Danlos Syndrome, Classic Type, COL5A1-Related; EDS I. Identifiers: MedGen C0268335, MONDO:0019567, OMIM 130000.

Submission:

Labcorp Genetics (formerly Invitae), Labcorp
Classification: Uncertain significance for Ehlers-Danlos syndrome, classic type, 1. Last evaluated: 2025-06-01. Review status: criteria provided, single submitter. Criteria: Invitae Variant Classification Sherloc (09022015). Collection method: clinical testing. Allele origin: germline.
Comment: This sequence change replaces threonine, which is neutral and polar, with lysine, which is basic and polar, at codon 567 of the COL5A1 protein (p.Thr567Lys). This variant is not present in population databases (gnomAD no frequency). This variant has not been reported in the literature in individuals affected with COL5A1-related conditions. Invitae Evidence Modeling of protein sequence and biophysical properties (such as structural, functional, and spatial information, amino acid conservation, physicochemical variation, residue mobility, and thermodynamic stability) has been performed for this missense variant. However, the output from this modeling did not meet the statistical confidence thresholds required to predict the impact of this variant on COL5A1 protein function. In summary, the available evidence is currently insufficient to determine the role of this variant in disease. Therefore, it has been classified as a Variant of Uncertain Significance.